The following is an entry in ClinVar:

ClinVar aggregate classification (germline): Pathogenic. Review status: criteria provided, multiple submitters, no conflicts (2 of 4 stars). 2 submissions from 2 submitters: Pathogenic (2). Last evaluated 2026-07-21.

Conditions:
Inherited MMR deficiency (Lynch syndrome).
Hereditary cancer-predisposing syndrome. Also called: Neoplastic Syndromes, Hereditary; Tumor predisposition; Hereditary Cancer Syndrome; Hereditary neoplastic syndrome. Identifiers: Orphanet 140162, MedGen C0027672, MeSH D009386, MONDO:0015356.

Submissions (2):

Genetics Laboratory, Great Ormond Street Hospital NHS Foundation Trust, North Thames Genomic Laboratory Hub
Classification: Pathogenic for Inherited MMR deficiency (Lynch syndrome). Last evaluated: 2026-07-21. Review status: criteria provided, single submitter. Criteria: CanVIG MMR Gene Specific V1.7. Collection method: clinical testing. Allele origin: germline. Affected: yes.
Comment: PM2_supporting, PVS1_very-strong, PM5_supporting, PP4_supporting

Ambry Genetics
Classification: Pathogenic for Hereditary cancer-predisposing syndrome. Last evaluated: 2021-08-18. Review status: criteria provided, single submitter. Criteria: Ambry Variant Classification Scheme 2023. Collection method: clinical testing. Allele origin: germline.
Comment: The c.2731delC pathogenic mutation, located in coding exon 4 of the MSH6 gene, results from a deletion of one nucleotide at nucleotide position 2731, causing a translational frameshift with a predicted alternate stop codon (p.R911Dfs*34). This alteration is expected to result in loss of function by premature protein truncation or nonsense-mediated mRNA decay. As such, this alteration is interpreted as a disease-causing mutation.

NM_000179.3(MSH6):c.2731del (p.Arg911fs)

Gene: MSH6 (mutS homolog 6; plus strand). Cytogenetic location: 2p16.3.
Variant type: Deletion.
Coding change: c.2731del on transcript NM_000179.3 (MANE Select); coding-DNA position 2731, one base deleted (C; older notation c.2731delC).
Protein change: p.Arg911fs; shifts the reading frame from arginine 911.
Molecular consequence: frameshift variant.
Genome position (GRCh38, 1-based): chr2:47,800,714, C deleted; the last of 2 consecutive C bases (chr2:47,800,713-47,800,714); deleting either gives the same sequence. VCF-style (leftmost placement, unchanged base first): chr2-47800712-AC-A. GRCh37 (hg19) VCF-style: chr2-48027851-AC-A.
Other names: c.2341del, p.Arg781fs (NM_001281492.2); c.1825del, p.Arg609fs (NM_001281493.2, NM_001281494.2); c.2827delC, p.Arg943Aspfs (NM_001406795.1, NM_001406802.1); c.2206delC, p.Arg736Aspfs (NM_001406807.1, NM_001406799.1, NM_001406806.1); c.2731delC, p.Arg911Aspfs (NM_001406808.1, NM_001406809.1, NM_001406796.1 and 2 more transcripts); c.1825delC, p.Arg609Aspfs (NM_001406811.1, NM_001406812.1, NM_001406814.1 and 4 more transcripts); c.2737delC, p.Arg913Aspfs (NM_001406813.1); c.2434delC, p.Arg812Aspfs (NM_001406818.1, NM_001406819.1, NM_001406820.1 and 10 more transcripts); and 3 more; short protein forms R781fs, R911fs, R609fs.
Identifiers: ClinVar variation 1795300 (VCV001795300.3), dbSNP rs2530689861, ClinGen allele CA2580067985.